The following is an entry in ClinVar:

NM_003924.4(PHOX2B):c.198C>A (p.Ser66Arg)

Genes: PHOX2B (paired like homeobox 2B; minus strand), PHOX2B-AS1 (PHOX2B antisense RNA 1; plus strand). Cytogenetic location: 4p13.
Variant type: single nucleotide variant.
Coding change: c.198C>A on transcript NM_003924.4 (MANE Select); coding-DNA position 198, C replaced by A.
Protein change: p.Ser66Arg; replaces serine 66 with arginine.
Molecular consequence: missense variant. On other transcripts: non-coding transcript variant (1).
Genome position (GRCh38, 1-based): chr4:41,748,413, G>T on the plus strand (C>A on the coding strand, the complement: PHOX2B is on the minus strand). VCF-style: chr4-41748413-G-T. GRCh37 (hg19) VCF-style: chr4-41750430-G-T.
Other names: short protein forms S66R.
Identifiers: ClinVar variation 5026606 (VCV005026606.1).
Genomic context (GRCh38, chr4:41,748,413, plus strand): 5'-AAGCTGAAGGTCCTTACCTGCGGCGTACGGACTGCTCTGGTGGTCCCTGAGGGTGCCCAG[G>T]CTGCAGGATCCCGGCGTGAGGGAAGGGCAGCCGGACGTGGCCCCAAAAGTGGTCCTTATC-3'
Protein context (NP_003915.2, residues 56-76): GCPSLTPGSC[Ser66Arg]LGTLRDHQSS

ClinVar aggregate classification (germline): Uncertain significance (1 of 4 stars; one submission).

Conditions:
Hereditary cancer-predisposing syndrome. Also called: Neoplastic Syndromes, Hereditary; Tumor predisposition; Hereditary neoplastic syndrome; Hereditary Cancer Syndrome. Identifiers: Orphanet 140162, MedGen C0027672, MeSH D009386, MONDO:0015356.

Submission:

Ambry Genetics
Classification: Uncertain significance for Hereditary cancer-predisposing syndrome. Last evaluated: 2026-07-07. Review status: criteria provided, single submitter. Criteria: Ambry Variant Classification Scheme 2023. Collection method: clinical testing. Allele origin: germline.
Comment: The p.S66R variant (also known as c.198C>A), located in coding exon 1 of the PHOX2B gene, results from a C to A substitution at nucleotide position 198. The serine at codon 66 is replaced by arginine, an amino acid with dissimilar properties. This amino acid position is conserved. In addition, the in silico prediction for this alteration is inconclusive. Based on the available evidence, the clinical significance of this variant remains unclear.